The following is an entry in ClinVar:

NM_001396067.1(KRTAP4-16):c.498C>T (p.Leu166=)

Gene: KRTAP4-16 (keratin associated protein 4-16; minus strand). Cytogenetic location: 17q21.2.
Variant type: single nucleotide variant.
Coding change: c.498C>T on transcript NM_001396067.1 (MANE Select); coding-DNA position 498, C replaced by T.
Protein change: p.Leu166=; no amino-acid change (leucine 166 retained).
Molecular consequence: synonymous variant.
Genome position (GRCh38, 1-based): chr17:41,101,712, G>A on the plus strand (C>T on the coding strand, the complement: KRTAP4-16 is on the minus strand). VCF-style: chr17-41101712-G-A. GRCh37 (hg19) VCF-style: chr17-39257964-G-A.
Identifiers: ClinVar variation 4681666 (VCV004681666.5).

ClinVar aggregate classification (germline): Likely benign (1 of 4 stars; one submission).

gnomAD v4.1: 1 of 978,118 alleles (0.0001%); highest among the groups gnomAD compares: Non-Finnish European, 0.00015%; no homozygotes.

Submission:

CeGaT Center for Human Genetics Tuebingen
Classification: Likely benign. Last evaluated: 2025-12-01. Review status: criteria provided, single submitter. Criteria: CeGaT Center For Human Genetics Tuebingen Variant Classification Criteria Version 2. Collection method: clinical testing. Allele origin: germline. Affected: yes. Observed: 1 variant allele.
Comment: KRTAP4-16: BP4, BP7